The following is an entry in ClinVar:

NM_001005361.3(DNM2):c.90C>T (p.Asp30=)

Genes: DNM2 (dynamin 2; plus strand), LOC130063529 (ATAC-STARR-seq lymphoblastoid silent region 10090; plus strand). Cytogenetic location: 19p13.2.
Variant type: single nucleotide variant.
Coding change: c.90C>T on transcript NM_001005361.3 (MANE Select); coding-DNA position 90, C replaced by T.
Protein change: p.Asp30=; no amino-acid change (aspartic acid 30 retained).
Molecular consequence: synonymous variant.
Genome position (GRCh38, 1-based): chr19:10,718,332, C>T. VCF-style: chr19-10718332-C-T. GRCh37 (hg19) VCF-style: chr19-10829008-C-T.
Other names: c.90C>T, p.Asp30= (NM_001005360.3, NM_001005362.3, NM_001190716.2 and 1 more transcripts).
Identifiers: ClinVar variation 215776 (VCV000215776.15), dbSNP rs759919549, ClinGen allele CA337090.

ClinVar aggregate classification (germline): Likely benign. Review status: criteria provided, multiple submitters, no conflicts (2 of 4 stars). 4 submissions from 4 submitters: Likely benign (4). Last evaluated 2026-04-09.

Conditions:
DNM2-related disorder. Also called: DNM2-related condition.
Inborn genetic diseases. Identifiers: MedGen C0950123, MeSH D030342.
Charcot-Marie-Tooth disease dominant intermediate B (CMTDIB). Also called: CHARCOT-MARIE-TOOTH NEUROPATHY, DOMINANT INTERMEDIATE B; Charcot-Marie-Tooth disease dominant intermediate 1; CMT DI1; Charcot-Marie-Tooth disease dominant intermediate I. Identifiers: Orphanet 100044, Orphanet 228179, MedGen C1847902, MONDO:0011674, OMIM 606482.

Allele frequency attached by ClinVar (database versions not stated): gnomAD 0.00006; TOPMed 0.00006; ExAC 0.00007; gnomAD exomes 0.00007.
gnomAD v4.1: 218 of 1,519,488 alleles (0.014%); highest among the groups gnomAD compares: Non-Finnish European, 0.018%; 1 homozygote.

Submissions (4):

PreventionGenetics, part of Exact Sciences
Classification: Likely benign for DNM2-related condition. Last evaluated: 2026-04-09. Review status: criteria provided, single submitter. Criteria: ACMG Guidelines, 2015. Collection method: clinical testing. Allele origin: germline.
Comment: This variant is classified as likely benign based on ACMG/AMP sequence variant interpretation guidelines (Richards et al. 2015 PMID: 25741868, with internal and published modifications).

Labcorp Genetics (formerly Invitae), Labcorp
Classification: Likely benign for Charcot-Marie-Tooth disease dominant intermediate B. Last evaluated: 2025-12-01. Review status: criteria provided, single submitter. Criteria: Invitae Variant Classification Sherloc (09022015). Collection method: clinical testing. Allele origin: germline.

Ambry Genetics
Classification: Likely benign for Inborn genetic diseases. Last evaluated: 2019-07-11. Review status: criteria provided, single submitter. Criteria: Ambry Variant Classification Scheme 2023. Collection method: clinical testing. Allele origin: germline.

GeneDx
Classification: Likely benign. Last evaluated: 2017-08-31. Review status: criteria provided, single submitter. Criteria: GeneDx Variant Classification (06012015). Collection method: clinical testing. Allele origin: germline. Affected: yes.
Comment: This variant is considered likely benign or benign based on one or more of the following criteria: it is a conservative change, it occurs at a poorly conserved position in the protein, it is predicted to be benign by multiple in silico algorithms, and/or has population frequency not consistent with disease.